The following is an entry in ClinVar:

NM_001868.4(CPA1):c.432C>A (p.Ser144Arg)

Gene: CPA1 (carboxypeptidase A1; plus strand). Cytogenetic location: 7q32.2.
Variant type: single nucleotide variant.
Coding change: c.432C>A on transcript NM_001868.4 (MANE Select); coding-DNA position 432, C replaced by A.
Protein change: p.Ser144Arg; replaces serine 144 with arginine.
Molecular consequence: missense variant.
Genome position (GRCh38, 1-based): chr7:130,382,158, C>A. VCF-style: chr7-130382158-C-A. GRCh37 (hg19) VCF-style: chr7-130021999-C-A.
Other names: short protein forms S144R.
Identifiers: ClinVar variation 5034906 (VCV005034906.1).

ClinVar aggregate classification (germline): Uncertain significance (1 of 4 stars; one submission).

Conditions:
Hereditary pancreatitis (PCTT). Also called: Hereditary chronic pancreatitis; PRSS1-Related Hereditary Pancreatitis. Identifiers: Orphanet 676, MedGen C0238339, MONDO:0008185, OMIM 167800.

Submission:

Ambry Genetics
Classification: Uncertain significance for Hereditary pancreatitis. Last evaluated: 2026-06-28. Review status: criteria provided, single submitter. Criteria: Ambry Variant Classification Scheme 2023. Collection method: clinical testing. Allele origin: germline.
Comment: The p.S144R variant (also known as c.432C>A), located in coding exon 4 of the CPA1 gene, results from a C to A substitution at nucleotide position 432. The serine at codon 144 is replaced by arginine, an amino acid with dissimilar properties. This amino acid position is conserved. In addition, this alteration is predicted to be tolerated by in silico analysis. Based on the available evidence, the clinical significance of this variant remains unclear.